The following is an entry in ClinVar:

NM_000540.3(RYR1):c.12568G>C (p.Glu4190Gln)

Gene: RYR1 (ryanodine receptor 1; plus strand). Cytogenetic location: 19q13.2.
Variant type: single nucleotide variant.
Coding change: c.12568G>C on transcript NM_000540.3 (MANE Select); coding-DNA position 12568, G replaced by C.
Protein change: p.Glu4190Gln; replaces glutamic acid 4190 with glutamine.
Molecular consequence: missense variant.
Genome position (GRCh38, 1-based): chr19:38,561,398, G>C. VCF-style: chr19-38561398-G-C. GRCh37 (hg19) VCF-style: chr19-39052038-G-C.
Other names: c.12553G>C, p.Glu4185Gln (NM_001042723.2); short protein forms E4185Q, E4190Q.
Identifiers: ClinVar variation 3073044 (VCV003073044.1), dbSNP rs2514654293, ClinGen allele CA405669705.
Genomic context (GRCh38, chr19:38,561,398, plus strand): 5'-CTTGAGTACTTCCGCCCCTACCTGGGCCGCATCGAGATCATGGGCGCGTCACGCCGCATC[G>C]AGCGCATCTACTTCGAGATCTCAGAGACCAACCGCGCCCAGTGGGAGATGCCCCAGGTCA-3'
Protein context (NP_000531.2, residues 4180-4200): IEIMGASRRI[Glu4190Gln]RIYFEISETN

ClinVar aggregate classification (germline): Uncertain significance (1 of 4 stars; one submission).

Conditions:
Malignant hyperthermia, susceptibility to, 1 (MHS1). Also called: Anesthesia related hyperthermia; Malignant hyperpyrexia; Fulminating hyperpyrexia; Pharmacogenic myopathy; RYR1-Related Malignant Hyperthermia Susceptibility; Malignant hyperthermia suceptibility 1. Identifiers: Orphanet 423, MedGen C2930980, MONDO:0007783, OMIM 145600.

Allele frequency attached by ClinVar (database versions not stated): gnomAD exomes below 0.00001.
gnomAD v4.1: 1 of 1,613,050 alleles (0.000062%); highest among the groups gnomAD compares: Non-Finnish European, 0.000085%; no homozygotes.

Submission:

All of Us Research Program, National Institutes of Health
Classification: Uncertain significance for Malignant hyperthermia, susceptibility to, 1. Last evaluated: 2023-11-30. Review status: criteria provided, single submitter. Criteria: ACMG Guidelines, 2015. Collection method: clinical testing. Allele origin: germline. Inheritance: Autosomal dominant inheritance. Observed: 1 variant allele, 1 heterozygote.
Comment: This study involves interpretation of variants in research participants for the purpose of population health screening. Participant phenotype was not available at the time of variant classification. Additional details can be found in publication PMID: 35346344, PMCID: PMC8962531